The following is an entry in ClinVar:

ClinVar aggregate classification (germline): Pathogenic/Likely pathogenic. Review status: criteria provided, multiple submitters, no conflicts (2 of 4 stars). 7 submissions from 7 submitters: Pathogenic (3); Likely pathogenic (3). 1 of the submissions does not count toward it. Last evaluated 2025-12-30.

Conditions:
Glycogen storage disease, type V (GSD5). Also called: MYOPHOSPHORYLASE DEFICIENCY; PYGM DEFICIENCY; McArdle type glycogen storage disease; MCARDLE DISEASE; MUSCLE GLYCOGEN PHOSPHORYLASE DEFICIENCY. Identifiers: Orphanet 368, MedGen C0017924, MONDO:0009293, OMIM 232600.

Allele frequency attached by ClinVar (database versions not stated): TOPMed 0.00003.
gnomAD v4.1: 17 of 1,613,864 alleles (0.0011%); highest among the groups gnomAD compares: East Asian, 0.0022%; no homozygotes.

Submissions (7):

Labcorp Genetics (formerly Invitae), Labcorp
Classification: Pathogenic for Glycogen storage disease, type V. Last evaluated: 2025-12-30. Review status: criteria provided, single submitter. Criteria: Invitae Variant Classification Sherloc (09022015). Collection method: clinical testing. Allele origin: germline.
Comment: This sequence change replaces arginine, which is basic and polar, with tryptophan, which is neutral and slightly polar, at codon 139 of the PYGM protein (p.Arg139Trp). This variant is present in population databases (rs367990192, gnomAD 0.006%). This missense change has been observed in individuals with McArdle disease (PMID: 14748827, 17404776, 34373715, 34534370). ClinVar contains an entry for this variant (Variation ID: 555716). Invitae Evidence Modeling of protein sequence and biophysical properties (such as structural, functional, and spatial information, amino acid conservation, physicochemical variation, residue mobility, and thermodynamic stability) indicates that this missense variant is expected to disrupt PYGM protein function with a positive predictive value of 95%. For these reasons, this variant has been classified as Pathogenic.

Natera, Inc.
Classification: Likely pathogenic for Glycogen storage disease V. Last evaluated: 2025-09-09. Review status: criteria provided, single submitter. Criteria: Natera Variant Classification Schema (03/2026). Collection method: clinical testing. Allele origin: germline.
Comment: The c.415C>T variant in PYGM is a missense variant predicted to cause substitution of arginine to tryptophan at amino acid 139. This variant is rare in the general population with a frequency below the threshold expected for the associated phenotype(s). This variant has been observed in one or more individuals affected with the associated recessive disease, as either homozygous or compound heterozygous with a second variant (PMID: 34711478, 34534370, 34373715, 17404776, 14748827). Additionally, this variant has been observed to segregate in affected family members (PMID: 14748827). Computational prediction algorithms indicate this variant is likely to affect gene or protein function. Given the available evidence, this variant is classified as Likely Pathogenic.

Fulgent Genetics
Classification: Pathogenic for Glycogen storage disease, type V. Last evaluated: 2024-06-05. Review status: criteria provided, single submitter. Criteria: ACMG Guidelines, 2015. Collection method: clinical testing. Allele origin: germline.

Revvity Omics, Revvity
Classification: Likely pathogenic for Glycogen storage disease, type V. Last evaluated: 2024-02-02. Review status: criteria provided, single submitter. Criteria: ACMG Guidelines, 2015. Collection method: clinical testing. Allele origin: germline.

Baylor Genetics
Classification: Likely pathogenic for Glycogen storage disease, type V. Last evaluated: 2023-10-25. Review status: criteria provided, single submitter. Criteria: ACMG Guidelines, 2015. Collection method: clinical testing. Allele origin: unknown.

Dasa
Classification: Pathogenic for Glycogen storage disease, type V. Last evaluated: 2022-06-10. Review status: criteria provided, single submitter. Criteria: ACMG Guidelines, 2015. Collection method: clinical testing. Allele origin: germline. Affected: yes. Observed: 1 variant allele.
Comment: The c.415C>T;p.(Arg139Trp) missense change has been observed in affected individual(s)(PMID: 17404776; 32075227; 34534370; 34373715) - PS4. The variant is present at low allele frequencies population databases (rs367990192– gnomAD 0.0003287%; ABraOM no frequency) -PM2_supporting. The p.(Arg139Trp) was detected in trans with a Pathogenic variant (PMID: 17404776; 32075227; 34534370; 34373715) - PM3_strong. The variant co-segregated with disease in multiple affected family members (PMID: 34373715) - PP1. Multiple lines of computational evidence support a deleterious effect on the gene or gene product - PP3. In summary, the currently available evidence indicates that the variant is Pathogenic

Counsyl
Classification: Uncertain significance for Glycogen storage disease, type V. Last evaluated: 2017-12-28. Review status: no assertion criteria provided. Collection method: clinical testing. Allele origin: unknown. Not counted in ClinVar's aggregate classification.

Literature cited by the submitters: PubMed 14748827 (cited by 3 submitters); PubMed 17404776 (cited by 4 submitters); PubMed 34373715 (cited by 3 submitters); PubMed 34534370 (cited by 3 submitters); PubMed 34711478 (cited by Natera, Inc.); PubMed 32075227 (cited by Dasa).

NM_005609.4(PYGM):c.415C>T (p.Arg139Trp)

Gene: PYGM (glycogen phosphorylase, muscle associated; minus strand). Cytogenetic location: 11q13.1.
Variant type: single nucleotide variant.
Coding change: c.415C>T on transcript NM_005609.4 (MANE Select); coding-DNA position 415, C replaced by T.
Protein change: p.Arg139Trp; replaces arginine 139 with tryptophan.
Molecular consequence: missense variant. On other transcripts: intron variant (1).
Genome position (GRCh38, 1-based): chr11:64,758,446, G>A on the plus strand (C>T on the coding strand, the complement: PYGM is on the minus strand). VCF-style: chr11-64758446-G-A. GRCh37 (hg19) VCF-style: chr11-64525918-G-A.
Other names: c.244-180C>T (NM_001164716.1); c.415C>T (NM_005609.3); short protein forms R139W.
Identifiers: ClinVar variation 555716 (VCV000555716.18), dbSNP rs367990192, ClinGen allele CA223888331.
Genomic context (GRCh38, chr11:64,758,446, plus strand): 5'-GCAAGGAGGACCCCATCGGCCCACTCCACCCTCACGGCCCTGTCTTCTTACCTGCCAGCC[G>A]GCCCAGGCCCCCGTTGCCCAGCCCCGCATCCTCCTCAATTTCCTCCAGCTCCTCCATGTC-3'
Protein context (NP_005600.1, residues 129-149): DAGLGNGGLG[Arg139Trp]LAACFLDSMA